The following is an entry in ClinVar:

ClinVar aggregate classification (germline): Uncertain significance (1 of 4 stars; one submission).

Conditions:
Cardiovascular phenotype. Identifiers: MedGen CN230736.
Hereditary cancer-predisposing syndrome. Also called: Neoplastic Syndromes, Hereditary; Tumor predisposition; Hereditary neoplastic syndrome; Hereditary Cancer Syndrome. Identifiers: Orphanet 140162, MedGen C0027672, MeSH D009386, MONDO:0015356.

Submission:

Ambry Genetics
Classification: Uncertain significance for Cardiovascular phenotype; Hereditary cancer-predisposing syndrome. Last evaluated: 2026-09-11. Review status: criteria provided, single submitter. Criteria: Ambry Variant Classification Scheme 2023. Collection method: clinical testing. Allele origin: germline.
Comment: The c.593G>C variant (also known as p.R198T), located in coding exon 6 of the LZTR1 gene, results from a G to C substitution at nucleotide position 593. The amino acid change results in arginine to threonine at codon 198, an amino acid with similar properties. However, this change occurs in the last base pair of coding exon 6, which makes it likely to have some effect on normal mRNA splicing. This variant was reported as heterozygous in individual(s) with features consistent with LZTR1-related schwannomatosis (Ambry internal data). This nucleotide position is highly conserved in available vertebrate species. In silico splice site analysis predicts that this alteration will weaken the native splice donor site; however, direct evidence is insufficient at this time (Ambry internal data). Based on the available evidence, the clinical significance of this variant remains unclear.

NM_006767.4(LZTR1):c.593G>C (p.Arg198Thr)

Gene: LZTR1 (leucine zipper like post translational regulator 1; plus strand). Cytogenetic location: 22q11.21.
Variant type: single nucleotide variant.
Coding change: c.593G>C on transcript NM_006767.4 (MANE Select); coding-DNA position 593, G replaced by C.
Protein change: p.Arg198Thr; replaces arginine 198 with threonine.
Molecular consequence: missense variant.
Genome position (GRCh38, 1-based): chr22:20,988,872, G>C. VCF-style: chr22-20988872-G-C. GRCh37 (hg19) VCF-style: chr22-21343161-G-C.
Other names: short protein forms R198T.
Identifiers: ClinVar variation 5023742 (VCV005023742.1).
Genomic context (GRCh38, chr22:20,988,872, plus strand): 5'-ATGGGGCCACGGTGTACAGTGACAAGCTGTGGATCTTTGCTGGCTATGACGGCAACGCCA[G>C]GTGGGTGGTGGTCCGGCCTGTGCACCCCACCTCCGACAGCACTGAGACCCGGAGCAGGCC-3'
Protein context (NP_006758.2, residues 188-208): WIFAGYDGNA[Arg198Thr]LNDMWTIGLQ